The following is an entry in ClinVar:

NM_000135.4(FANCA):c.293T>A (p.Leu98Ter)

Gene: FANCA (FA complementation group A; minus strand). Cytogenetic location: 16q24.3.
Variant type: single nucleotide variant.
Coding change: c.293T>A on transcript NM_000135.4 (MANE Select); coding-DNA position 293, T replaced by A.
Protein change: p.Leu98Ter; replaces leucine 98 with a stop codon.
Molecular consequence: nonsense.
Genome position (GRCh38, 1-based): chr16:89,811,062, A>T on the plus strand (T>A on the coding strand, the complement: FANCA is on the minus strand). VCF-style: chr16-89811062-A-T. GRCh37 (hg19) VCF-style: chr16-89877470-A-T.
Other names: c.293T>A, p.Leu98Ter (NM_001018112.3, NM_001286167.3, NM_001351830.2); short protein forms L98*.
Identifiers: ClinVar variation 5012728 (VCV005012728.1).
Genomic context (GRCh38, chr16:89,811,062, plus strand): 5'-GCAACCATCCCGGCTGAGAGAATACCCACGGGAACCCCCAGCCTTGAGGCTTGATCCTGC[A>T]AAGCAGAGCCTTAAACACAAAACAAAACCATAGCTTTCTCTTAACACATGAGACAAAATC-3'

ClinVar aggregate classification (germline): Pathogenic (1 of 4 stars; one submission).

Conditions:
Fanconi anemia complementation group A (FANCA). Also called: Fanconi anemia, group A; FANCA-Related Fanconi Anemia. Identifiers: Orphanet 84, MedGen C3469521, MONDO:0009215, OMIM 227650.

gnomAD v4.1: 1 of 1,614,050 alleles (0.000062%); highest among the groups gnomAD compares: Non-Finnish European, 0.000085%; no homozygotes.

Submission:

Myriad Genetics, Inc.
Classification: Pathogenic for Fanconi anemia complementation group A. Last evaluated: 2024-02-10. Review status: criteria provided, single submitter. Criteria: Myriad Autosomal Dominant, Autosomal Recessive and X-Linked Classification Criteria (2023). Collection method: clinical testing. Allele origin: unknown.
Comment: NM_000135.2(FANCA):c.293T>A(L98*) is expected to be pathogenic in the context of Fanconi anemia complementation group A. This variant is predicted to lead to an abnormal or absent protein product due to the creation of a premature termination codon in FANCA, a gene where loss-of-function variants are known to be pathogenic. Please note: this variant was assessed in the context of healthy population screening.